The following is an entry in ClinVar:

NM_178012.5(TUBB2B):c.386G>A (p.Cys129Tyr)

Gene: TUBB2B (tubulin beta 2B class IIb; minus strand). Cytogenetic location: 6p25.2.
Variant type: single nucleotide variant.
Coding change: c.386G>A on transcript NM_178012.5 (MANE Select); coding-DNA position 386, G replaced by A.
Protein change: p.Cys129Tyr; replaces cysteine 129 with tyrosine.
Molecular consequence: missense variant.
Genome position (GRCh38, 1-based): chr6:3,225,703, C>T on the plus strand (G>A on the coding strand, the complement: TUBB2B is on the minus strand). VCF-style: chr6-3225703-C-T. GRCh37 (hg19) VCF-style: chr6-3225937-C-T.
Other names: short protein forms C129Y.
Identifiers: ClinVar variation 4973553 (VCV004973553.2).

ClinVar aggregate classification (germline): Uncertain significance. Review status: criteria provided, multiple submitters, no conflicts (2 of 4 stars). 2 submissions from 2 submitters: Uncertain significance (2). Last evaluated 2026-11-11.

Conditions:
Mild intellectual disability. Identifiers: MedGen C0026106, HP:0001256.

Submissions (2):

Clinical Genetics Laboratory, Skane University Hospital Lund
Classification: Uncertain significance for Mild intellectual disability. Last evaluated: 2026-11-11. Review status: criteria provided, single submitter. Criteria: ACMG Guidelines, 2015. Collection method: clinical testing. Allele origin: germline. Affected: yes. Observed: 1 variant allele.
Comment: ACMG criteria: PM2, PP2, PP3

Blueprint Genetics
Classification: Uncertain significance. Last evaluated: 2020-04-24. Review status: criteria provided, single submitter. Criteria: ACMG Guidelines, 2015. Collection method: clinical testing. Allele origin: germline.